The following is an entry in ClinVar:

ClinVar aggregate classification (germline): Uncertain significance. Review status: criteria provided, multiple submitters, no conflicts (2 of 4 stars). 2 submissions from 2 submitters: Uncertain significance (2). Last evaluated 2025-03-20.

Conditions:
Intellectual disability-facial dysmorphism syndrome due to SETD5 haploinsufficiency (MRD23). Also called: Intellectual developmental disorder, autosomal dominant 23. Identifiers: Orphanet 404440, MedGen C3810406, MONDO:0014336, OMIM 615761.

Submissions (2):

Clinical Genetics Laboratory, University Hospital Schleswig-Holstein
Classification: Uncertain significance for Intellectual disability-facial dysmorphism syndrome due to SETD5 haploinsufficiency. Last evaluated: 2025-03-20. Review status: criteria provided, single submitter. Criteria: ACMG Guidelines, 2015. Collection method: clinical testing. Allele origin: paternal. Affected: yes. Observed: 1 heterozygote.
Comment: ACMG criteria applied: PM2, PP3, PM1, BS4_Supporting

GeneDx
Classification: Uncertain significance. Last evaluated: 2023-03-01. Review status: criteria provided, single submitter. Criteria: GeneDx Variant Classification Process June 2021. Collection method: clinical testing. Allele origin: germline. Affected: yes.
Comment: Not observed at significant frequency in large population cohorts (gnomAD); In silico analysis supports that this missense variant has a deleterious effect on protein structure/function; Has not been previously published as pathogenic or benign to our knowledge

NM_001080517.3(SETD5):c.954C>G (p.Phe318Leu)

Gene: SETD5 (SET domain containing 5; plus strand). Cytogenetic location: 3p25.3.
Variant type: single nucleotide variant.
Coding change: c.954C>G on transcript NM_001080517.3 (MANE Select); coding-DNA position 954, C replaced by G.
Protein change: p.Phe318Leu; replaces phenylalanine 318 with leucine.
Molecular consequence: missense variant.
Genome position (GRCh38, 1-based): chr3:9,441,736, C>G. VCF-style: chr3-9441736-C-G. GRCh37 (hg19) VCF-style: chr3-9483420-C-G.
Other names: c.660C>G, p.Phe220Leu (NM_001292043.2, NM_001349451.2); short protein forms F220L, F318L.
Identifiers: ClinVar variation 2442597 (VCV002442597.3), dbSNP rs1308216667, ClinGen allele CA351689078.